The following is an entry in ClinVar:

ClinVar aggregate classification (germline): Conflicting classifications of pathogenicity. Review status: criteria provided, conflicting classifications (1 of 4 stars). 3 submissions from 3 submitters: Likely pathogenic (2); Uncertain significance (1). Last evaluated 2025-10-24.

Conditions:
Bleeding and platelet disorders.

Allele frequency attached by ClinVar (database versions not stated): gnomAD 0.00001; gnomAD exomes below 0.00001.
gnomAD v4.1: 2 of 1,614,062 alleles (0.00012%); highest among the groups gnomAD compares: Middle Eastern, 0.016%; no homozygotes.

Submissions (3):

North West Genomic Laboratory Hub, Manchester University NHS Foundation Trust
Classification: Likely pathogenic for Bleeding and platelet disorders. Last evaluated: 2025-10-24. Review status: criteria provided, single submitter. Criteria: ACGS Best Practice Guidelines for Variant Classification in Rare Disease 2024. Collection method: clinical testing. Allele origin: germline. Affected: yes.
Comment: PM5_Supp PM1_Mod PP3_Supp PM2_Mod

Labcorp Genetics (formerly Invitae), Labcorp
Classification: Uncertain significance. Last evaluated: 2025-09-23. Review status: criteria provided, single submitter. Criteria: Invitae Variant Classification Sherloc (09022015). Collection method: clinical testing. Allele origin: germline.
Comment: This sequence change replaces arginine, which is basic and polar, with histidine, which is basic and polar, at codon 340 of the FLI1 protein (p.Arg340His). This variant is not present in population databases (gnomAD no frequency). This variant has not been reported in the literature in individuals affected with FLI1-related conditions. ClinVar contains an entry for this variant (Variation ID: 430313). Invitae Evidence Modeling of protein sequence and biophysical properties (such as structural, functional, and spatial information, amino acid conservation, physicochemical variation, residue mobility, and thermodynamic stability) indicates that this missense variant is expected to disrupt FLI1 protein function with a positive predictive value of 80%. In summary, the available evidence is currently insufficient to determine the role of this variant in disease. Therefore, it has been classified as a Variant of Uncertain Significance.

GeneDx
Classification: Likely pathogenic. Last evaluated: 2016-02-15. Review status: criteria provided, single submitter. Criteria: GeneDx Variant Classification (06012015). Collection method: clinical testing. Allele origin: germline. Affected: yes.
Comment: The R340H variant in the FLI1 gene has not been reported previously as a pathogenic variant, nor as a benign variant, to our knowledge. The R340H variant was not observed in approximately 6500 individuals of European and African American ancestry in the NHLBI Exome Sequencing Project, indicating it is not a common benign variant in these populations. The R340H variant is a conservative amino acid substitution, which is not likely to impact secondary protein structure as these residues share similar properties. This substitution occurs at a position the ETS DNA binding domain of FLI1 that is conserved across species. Missense variants in this domain have been shown to abolish DNA binding and reduce transcription activity by 60% (Stockley et al., 2013). In silico analysis predicts this variant is probably damaging to the protein structure/function. The R340H variant is a strong candidate for a pathogenic variant, however the possibility it may be a rare benign variant cannot be excluded.

NM_002017.5(FLI1):c.1019G>A (p.Arg340His)

Gene: FLI1 (Fli-1 proto-oncogene, ETS transcription factor; plus strand). Cytogenetic location: 11q24.3.
Variant type: single nucleotide variant.
Coding change: c.1019G>A on transcript NM_002017.5 (MANE Select); coding-DNA position 1019, G replaced by A.
Protein change: p.Arg340His; replaces arginine 340 with histidine.
Molecular consequence: missense variant.
Genome position (GRCh38, 1-based): chr11:128,810,648, G>A. VCF-style: chr11-128810648-G-A. GRCh37 (hg19) VCF-style: chr11-128680543-G-A.
Other names: c.920G>A, p.Arg307His (NM_001167681.3); c.821G>A, p.Arg274His (NM_001271010.2); c.440G>A, p.Arg147His (NM_001271012.2); short protein forms R147H, R274H, R307H, R340H.
Identifiers: ClinVar variation 430313 (VCV000430313.6), dbSNP rs1131691896, ClinGen allele CA383238854.